The following is an entry in ClinVar:

NM_004204.5(PIGQ):c.234_254del (p.Arg79_Gly85del)

Gene: PIGQ (phosphatidylinositol glycan anchor biosynthesis class Q; plus strand). Cytogenetic location: 16p13.3.
Variant type: Deletion.
Coding change: c.234_254del on transcript NM_004204.5 (MANE Select); coding-DNA positions 234 to 254, 21 bases deleted (CCGCTTCCTGGAGAGCCTGGG).
Protein change: p.Arg79_Gly85del.
Molecular consequence: inframe deletion.
Genome position (GRCh38, 1-based): chr16:574,308-574,328, CCGCTTCCTGGAGAGCCTGGG deleted; deleting any 21 consecutive bases within chr16:574,296-574,328 gives the same sequence; the c. name uses the placement nearest the transcript's 3' end. VCF-style (leftmost placement, unchanged base first): chr16-574295-AGGAGAGCCTGGGCCGCTTCCT-A. GRCh37 (hg19) VCF-style: chr16-624295-AGGAGAGCCTGGGCCGCTTCCT-A.
Other names: c.234_254del, p.Arg79_Gly85del (NM_148920.4).
Identifiers: ClinVar variation 1439029 (VCV001439029.4), dbSNP rs770707223, ClinGen allele CA7779813.
Genomic context (GRCh38, chr16:574,295, plus strand): 5'-AGGCCAGCCAGGTGGGCGTGGCCGTGCTGGGCACCTGGTGCCACTGCCGGCAGGAGCCCG[AGGAGAGCCTGGGCCGCTTCCT>A]GGAGAGCCTGGGTGCTGTCTTCCCCCATGAGCCCTGGCTGCGGCTGTGCCGGGAGAGAGG-3'

ClinVar aggregate classification (germline): Uncertain significance (1 of 4 stars; one submission).

Conditions:
Epilepsy. Also called: Seizure disorder. Identifiers: MedGen C0014544, MeSH D004827, MONDO:0005027.

Submission:

Labcorp Genetics (formerly Invitae), Labcorp
Classification: Uncertain significance for Epilepsy. Last evaluated: 2025-10-13. Review status: criteria provided, single submitter. Criteria: Invitae Variant Classification Sherloc (09022015). Collection method: clinical testing. Allele origin: germline.
Comment: This variant, c.234_254del, results in the deletion of 7 amino acid(s) of the PIGQ protein (p.Arg79_Gly85del), but otherwise preserves the integrity of the reading frame. This variant is present in population databases (rs770707223, gnomAD 0.06%). This variant has been observed in individual(s) with schizophrenia (PMID: 37105505). This variant is also known as p.E74_F80del. ClinVar contains an entry for this variant (Variation ID: 1439029). Experimental studies and prediction algorithms are not available or were not evaluated, and the functional significance of this variant is currently unknown. In summary, the available evidence is currently insufficient to determine the role of this variant in disease. Therefore, it has been classified as a Variant of Uncertain Significance.

Literature cited by the submitters: PubMed 37105505.